The following is an entry in ClinVar:

ClinVar aggregate classification (germline): Pathogenic (1 of 4 stars; one submission).

Conditions:
Hereditary cancer-predisposing syndrome. Also called: Neoplastic Syndromes, Hereditary; Hereditary Cancer Syndrome; Tumor predisposition; Hereditary neoplastic syndrome. Identifiers: Orphanet 140162, MedGen C0027672, MeSH D009386, MONDO:0015356.

Submission:

Labcorp Genetics (formerly Invitae), Labcorp
Classification: Pathogenic for Hereditary cancer-predisposing syndrome. Last evaluated: 2021-12-07. Review status: criteria provided, single submitter. Criteria: Invitae Variant Classification Sherloc (09022015). Collection method: clinical testing. Allele origin: germline.
Comment: This sequence change creates a premature translational stop signal (p.Glu796*) in the RAD50 gene. It is expected to result in an absent or disrupted protein product. Loss-of-function variants in RAD50 are known to be pathogenic (PMID: 19409520). This variant is not present in population databases (gnomAD no frequency). This variant has not been reported in the literature in individuals affected with RAD50-related conditions. ClinVar contains an entry for this variant (Variation ID: 575128). For these reasons, this variant has been classified as Pathogenic.

Literature cited by the submitters: PubMed 19409520.

NM_005732.4(RAD50):c.2386G>T (p.Glu796Ter)

Gene: RAD50 (RAD50 double strand break repair protein; plus strand). Cytogenetic location: 5q31.1.
Variant type: single nucleotide variant.
Coding change: c.2386G>T on transcript NM_005732.4 (MANE Select); coding-DNA position 2386, G replaced by T.
Protein change: p.Glu796Ter; replaces glutamic acid 796 with a stop codon.
Molecular consequence: nonsense.
Genome position (GRCh38, 1-based): chr5:132,603,478, G>T. VCF-style: chr5-132603478-G-T. GRCh37 (hg19) VCF-style: chr5-131939170-G-T.
Other names: short protein forms E796*.
Identifiers: ClinVar variation 575128 (VCV000575128.7), dbSNP rs876658213, ClinGen allele CA360955075.
Genomic context (GRCh38, chr5:132,603,478, plus strand): 5'-GGTACAATAATGCCTGAAGAAGAAAGTGCCAAAGTATGCCTGACAGATGTTACAATTATG[G>T]AGAGGTTCCAGGTAAGTTTATTGTAGTTTAAGGCAGAATAAAACTTGTTCCATGGTGGCT-3'